The following is an entry in ClinVar:

NM_006939.4(SOS2):c.1643T>C (p.Leu548Pro)

Gene: SOS2 (SOS Ras/Rho guanine nucleotide exchange factor 2; minus strand). Cytogenetic location: 14q21.3.
Variant type: single nucleotide variant.
Coding change: c.1643T>C on transcript NM_006939.4 (MANE Select); coding-DNA position 1643, T replaced by C.
Protein change: p.Leu548Pro; replaces leucine 548 with proline.
Molecular consequence: missense variant.
Genome position (GRCh38, 1-based): chr14:50,159,640, A>G on the plus strand (T>C on the coding strand, the complement: SOS2 is on the minus strand). VCF-style: chr14-50159640-A-G. GRCh37 (hg19) VCF-style: chr14-50626358-A-G.
Other names: c.1544T>C, p.Leu515Pro (NM_001411020.1); short protein forms L515P, L548P.
Identifiers: ClinVar variation 4864945 (VCV004864945.1).

ClinVar aggregate classification (germline): Uncertain significance (1 of 4 stars; one submission).

Conditions:
Cardiovascular phenotype. Identifiers: MedGen CN230736.

Submission:

Ambry Genetics
Classification: Uncertain significance for Cardiovascular phenotype. Last evaluated: 2026-04-30. Review status: criteria provided, single submitter. Criteria: Ambry Variant Classification Scheme 2023. Collection method: clinical testing. Allele origin: germline.
Comment: The p.L548P variant (also known as c.1643T>C), located in coding exon 10 of the SOS2 gene, results from a T to C substitution at nucleotide position 1643. The leucine at codon 548 is replaced by proline, an amino acid with similar properties. This amino acid position is conserved. In addition, this alteration is predicted to be deleterious by in silico analysis. Based on the available evidence, the clinical significance of this variant remains unclear.